The following is an entry in ClinVar:

ClinVar aggregate classification (germline): Uncertain significance. Review status: reviewed by expert panel (3 of 4 stars). 2 submissions from 2 submitters: Uncertain significance (1). 1 of the submissions does not count toward it. Last evaluated 2026-05-27.

Conditions:
Hereditary thrombocytopenia and hematologic cancer predisposition syndrome. Identifiers: Orphanet 71290, MedGen CN281654, MONDO:0011071.
Inborn genetic diseases. Identifiers: MedGen C0950123, MeSH D030342.

Submissions (2):

ClinGen Myeloid Malignancy Variant Curation Expert Panel
Classification: Uncertain significance for Hereditary thrombocytopenia and hematologic cancer predisposition syndrome. Last evaluated: 2026-05-27. Review status: reviewed by expert panel. Criteria: ClinGen MyeloMalig ACMG Specifications V3.1. Collection method: curation. Allele origin: germline. Inheritance: Autosomal dominant inheritance.
Comment: NM_001754.5(RUNX1):c.1018C>T (p.Pro340Ser) is a missense variant which is completely absent from all population databases with at least 20x coverage for RUNX1 (PM2_Supporting) and has a REVEL score <0.50 (0.08)(BP4). In summary, the clinical significance of this variant is uncertain. ACMG/AMP criteria applied, as specified by the Myeloid Malignancy Variant Curation Expert Panel for RUNX1: PM2_Supporting, BP4.

Ambry Genetics
Classification: Uncertain significance for Inborn genetic diseases. Last evaluated: 2025-05-25. Review status: criteria provided, single submitter. Criteria: Ambry Variant Classification Scheme 2023. Collection method: clinical testing. Allele origin: germline. Not counted in ClinVar's aggregate classification.
Comment: The p.P340S variant (also known as c.1018C>T), located in coding exon 8 of the RUNX1 gene, results from a C to T substitution at nucleotide position 1018. The proline at codon 340 is replaced by serine, an amino acid with similar properties. This amino acid position is conserved. In addition, this alteration is predicted to be tolerated by in silico analysis. Based on the available evidence, the clinical significance of this variant remains unclear.

NM_001754.5(RUNX1):c.1018C>T (p.Pro340Ser)

Gene: RUNX1 (RUNX family transcription factor 1; minus strand). Cytogenetic location: 21q22.12.
Variant type: single nucleotide variant.
Coding change: c.1018C>T on transcript NM_001754.5 (MANE Select); coding-DNA position 1018, C replaced by T.
Protein change: p.Pro340Ser; replaces proline 340 with serine.
Molecular consequence: missense variant.
Genome position (GRCh38, 1-based): chr21:34,792,560, G>A on the plus strand (C>T on the coding strand, the complement: RUNX1 is on the minus strand). VCF-style: chr21-34792560-G-A. GRCh37 (hg19) VCF-style: chr21-36164857-G-A.
Other names: NM_001754.5(RUNX1):c.1018C>T; p.Pro340Ser; c.937C>T, p.Pro313Ser (NM_001001890.3); short protein forms P340S, P313S.
Identifiers: ClinVar variation 3948888 (VCV003948888.2).